The following is an entry in ClinVar:

NM_000136.3(FANCC):c.485G>C (p.Arg162Thr)

Gene: FANCC (FA complementation group C; minus strand). Cytogenetic location: 9q22.32.
Variant type: single nucleotide variant.
Coding change: c.485G>C on transcript NM_000136.3 (MANE Select); coding-DNA position 485, G replaced by C.
Protein change: p.Arg162Thr; replaces arginine 162 with threonine.
Molecular consequence: missense variant.
Genome position (GRCh38, 1-based): chr9:95,171,115, C>G on the plus strand (G>C on the coding strand, the complement: FANCC is on the minus strand). VCF-style: chr9-95171115-C-G. GRCh37 (hg19) VCF-style: chr9-97933397-C-G.
Other names: c.485G>C, p.Arg162Thr (NM_001243743.2, NM_001243744.2); short protein forms R162T.
Identifiers: ClinVar variation 941385 (VCV000941385.9), dbSNP rs1825650685, ClinGen allele CA374338619.

ClinVar aggregate classification (germline): Uncertain significance (1 of 4 stars; one submission).

Conditions:
Fanconi anemia (FA). Also called: Fanconi's anemia. Identifiers: Orphanet 84, MedGen C0015625, MeSH D005199, MONDO:0019391.

Submission:

Labcorp Genetics (formerly Invitae), Labcorp
Classification: Uncertain significance for Fanconi anemia. Last evaluated: 2019-05-21. Review status: criteria provided, single submitter. Criteria: Invitae Variant Classification Sherloc (09022015). Collection method: clinical testing. Allele origin: germline.
Comment: In summary, the available evidence is currently insufficient to determine the role of this variant in disease. Therefore, it has been classified as a Variant of Uncertain Significance. Algorithms developed to predict the effect of missense changes on protein structure and function are either unavailable or do not agree on the potential impact of this missense change (SIFT: "Tolerated"; PolyPhen-2: "Possibly Damaging"; Align-GVGD: "Class C0"). This variant has not been reported in the literature in individuals with FANCC-related conditions. This variant is not present in population databases (ExAC no frequency). This sequence change replaces arginine with threonine at codon 162 of the FANCC protein (p.Arg162Thr). The arginine residue is moderately conserved and there is a moderate physicochemical difference between arginine and threonine.